The following is an entry in ClinVar:

ClinVar aggregate classification (germline): Conflicting classifications of pathogenicity. Review status: criteria provided, conflicting classifications (1 of 4 stars). 9 submissions from 9 submitters: Uncertain significance (1); Benign (2); Likely benign (4). 2 of the submissions do not count toward it. Last evaluated 2026-01-19.

Conditions:
Retinal dystrophy. Also called: Inherited retinal dystrophy. Identifiers: Orphanet 71862, MedGen C0854723, MeSH D058499, MONDO:0019118, HP:0000556.
EYS-related disorder. Also called: EYS-related condition.
Retinitis pigmentosa (RP). Identifiers: Orphanet 791, MedGen C0035334, MeSH D012174, MONDO:0019200, OMIM 268000. Inheritance: Autosomal dominant, autosomal recessive and X linked inheritance.
Retinitis pigmentosa 25 (RP25). Identifiers: Orphanet 791, MedGen C1864446, MONDO:0011272, OMIM 602772.

Allele frequency attached by ClinVar (database versions not stated): ESP Exome Variant Server 0.00008; gnomAD 0.00011 and 0.00030; TOPMed 0.00024; gnomAD exomes 0.00041 and 0.00054; ExAC 0.00050; 1000 Genomes Project 30x 0.00172; 1000 Genomes Project 0.00200.
gnomAD v4.1: 819 of 1,612,910 alleles (0.051%); highest among the groups gnomAD compares: East Asian, 1.8%; 14 homozygotes.

Submissions (9):

Labcorp Genetics (formerly Invitae), Labcorp
Classification: Likely benign. Last evaluated: 2026-01-19. Review status: criteria provided, single submitter. Criteria: Invitae Variant Classification Sherloc (09022015). Collection method: clinical testing. Allele origin: germline.

Women's Health and Genetics/Laboratory Corporation of America, LabCorp
Classification: Likely benign. Last evaluated: 2025-06-03. Review status: criteria provided, single submitter. Criteria: LabCorp Variant Classification Summary - May 2015. Collection method: clinical testing. Allele origin: germline.
Comment: Variant summary: EYS c.1382G>A (p.Cys461Tyr) results in a non-conservative amino acid change in the encoded protein sequence. Algorithms developed to predict the effect of missense changes on protein structure and function are either unavailable or do not agree on the potential impact of this missense change. The variant allele was found at a frequency of 0.00041 in 250834 control chromosomes, predominantly at a frequency of 0.0054 within the East Asian subpopulation in the gnomAD database. The observed variant frequency within East Asian control individuals in the gnomAD database is approximately 1.58 fold of the estimated maximal expected allele frequency for a pathogenic variant in EYS causing Retinitis Pigmentosa phenotype (0.0034). c.1382G>A has been observed with two other missense variants in an individual affected with Retinitis Pigmentosa (Kim_2021). These report(s) do not provide unequivocal conclusions about association of the variant with Retinitis Pigmentosa. To our knowledge, no experimental evidence demonstrating an impact on protein function has been reported. The following publication have been ascertained in the context of this evaluation (PMID: 34721897). ClinVar contains an entry for this variant (Variation ID: 763838). Based on the evidence outlined above, the variant was classified as likely benign.

CeGaT Center for Human Genetics Tuebingen
Classification: Benign. Last evaluated: 2024-12-01. Review status: criteria provided, single submitter. Criteria: CeGaT Center For Human Genetics Tuebingen Variant Classification Criteria Version 2. Collection method: clinical testing. Allele origin: germline. Affected: yes. Observed: 1 variant allele.
Comment: EYS: BP4, BS1, BS2

Blueprint Genetics
Classification: Likely benign. Last evaluated: 2024-08-29. Review status: criteria provided, single submitter. Criteria: ACMG Guidelines, 2015. Collection method: clinical testing. Allele origin: germline.

Dept Of Ophthalmology, Nagoya University
Classification: Benign for Retinal dystrophy. Last evaluated: 2023-10-01. Review status: criteria provided, single submitter. Criteria: Submitter's publication. Collection method: research. Allele origin: germline. Affected: yes.

GeneDx
Classification: Uncertain significance. Last evaluated: 2020-08-31. Review status: criteria provided, single submitter. Criteria: GeneDx Variant Classification Process June 2021. Collection method: clinical testing. Allele origin: germline. Affected: yes.
Comment: Observed in an individual in published literature with retinitis pigmentosa with no second EYS variant identified (Littink et al., 2010); In silico analysis, which includes protein predictors and evolutionary conservation, supports a deleterious effect; This variant is associated with the following publications: (PMID: 25096270, 20537394, 22363543)

Illumina Laboratory Services, Illumina
Classification: Likely benign for Retinitis pigmentosa. Last evaluated: 2017-04-27. Review status: criteria provided, single submitter. Criteria: ICSL Variant Classification Criteria 13 December 2019. Collection method: clinical testing. Allele origin: germline.
Comment: This variant was observed as part of a predisposition screen in an ostensibly healthy population. A literature search was performed for the gene, cDNA change, and amino acid change (where applicable). Publications were found based on this search. The evidence from the literature, in combination with allele frequency data from public databases where available, was sufficient to determine this variant is unlikely to cause disease. Therefore, this variant is classified as likely benign.

Natera, Inc.
Classification: Uncertain significance for Retinitis pigmentosa type 25. Last evaluated: 2020-06-16. Review status: no assertion criteria provided. Collection method: clinical testing. Allele origin: germline. Not counted in ClinVar's aggregate classification.

PreventionGenetics, part of Exact Sciences
Classification: Likely benign for EYS-related condition. Last evaluated: 2020-04-03. Review status: no assertion criteria provided. Collection method: clinical testing. Allele origin: germline. Not counted in ClinVar's aggregate classification.
Comment: This variant is classified as likely benign based on ACMG/AMP sequence variant interpretation guidelines (Richards et al. 2015 PMID: 25741868, with internal and published modifications).

Literature cited by the submitters: PubMed 34721897 (cited by Women's Health and Genetics/Laboratory Corporation of America, LabCorp); PubMed 22363543 (cited by Illumina Laboratory Services, Illumina); PubMed 20537394 (cited by Illumina Laboratory Services, Illumina); PubMed 25096270 (cited by Illumina Laboratory Services, Illumina).

NM_001142800.2(EYS):c.1382G>A (p.Cys461Tyr)

Gene: EYS (EGF-like photoreceptor maintenance factor; minus strand). Cytogenetic location: 6q12.
Variant type: single nucleotide variant.
Coding change: c.1382G>A on transcript NM_001142800.2 (MANE Select); coding-DNA position 1382, G replaced by A.
Protein change: p.Cys461Tyr; replaces cysteine 461 with tyrosine.
Molecular consequence: missense variant.
Genome position (GRCh38, 1-based): chr6:65,353,535, C>T on the plus strand (G>A on the coding strand, the complement: EYS is on the minus strand). VCF-style: chr6-65353535-C-T. GRCh37 (hg19) VCF-style: chr6-66063428-C-T.
Other names: c.1382G>A, p.Cys461Tyr (NM_001142801.2, NM_001292009.2, NM_198283.2); short protein forms C461Y.
Identifiers: ClinVar variation 763838 (VCV000763838.36), dbSNP rs76754818, ClinGen allele CA3877771.